The following is an entry in ClinVar:

NM_183235.3(RAB27A):c.*1427G>A

Gene: RAB27A (RAB27A, member RAS oncogene family; minus strand). Cytogenetic location: 15q21.3.
Variant type: single nucleotide variant.
Coding change: c.*1427G>A on transcript NM_183235.3 (MANE Select); 1427 bases downstream of the stop codon, G replaced by A.
Molecular consequence: 3 prime UTR variant.
Genome position (GRCh38, 1-based): chr15:55,204,080, C>T on the plus strand (G>A on the coding strand, the complement: RAB27A is on the minus strand). VCF-style: chr15-55204080-C-T. GRCh37 (hg19) VCF-style: chr15-55496278-C-T.
Other names: c.*1427G>A (NM_004580.5, NM_183234.3, NM_183236.3).
Identifiers: ClinVar variation 316627 (VCV000316627.6), dbSNP rs1061875, ClinGen allele CA10647180.
Genomic context (GRCh38, chr15:55,204,080, plus strand): 5'-ACCATCACGCAAATATACTTGTATTTTTCTAATTACAGTTCTACCAAACATTTGCCACCA[C>T]AAAATACAAGTATTTTTATTCTTTATTTAAATTATGGTGAGTGATATTTCTTCCTATATA-3'

ClinVar aggregate classification (germline): Benign. Review status: criteria provided, multiple submitters, no conflicts (2 of 4 stars). 2 submissions from 2 submitters: Benign (2). Last evaluated 2018-01-13.

Conditions:
Griscelli syndrome type 2 (GS2). Also called: GRISCELLI SYNDROME WITH HEMOPHAGOCYTIC SYNDROME; PAID SYNDROME; PARTIAL ALBINISM AND IMMUNODEFICIENCY SYNDROME. Identifiers: Orphanet 381, Orphanet 79477, MedGen C1868679, MONDO:0011872, OMIM 607624.

Allele frequency attached by ClinVar (database versions not stated): 1000 Genomes Project 0.26518; gnomAD 0.26589 and 0.27307; 1000 Genomes Project 30x 0.27092; TOPMed 0.27679.

Submissions (2):

Illumina Laboratory Services, Illumina
Classification: Benign for Griscelli syndrome type 2. Last evaluated: 2018-01-13. Review status: criteria provided, single submitter. Criteria: ICSL Variant Classification Criteria 13 December 2019. Collection method: clinical testing. Allele origin: germline.
Comment: This variant was observed in the ICSL laboratory as part of a predisposition screen in an ostensibly healthy population. It had not been previously curated by ICSL or reported in the Human Gene Mutation Database (HGMD: prior to June 1st, 2018), and was therefore a candidate for classification through an automated scoring system. Utilizing variant allele frequency, disease prevalence and penetrance estimates, and inheritance mode, an automated score was calculated to assess if this variant is too frequent to cause the disease. Based on the score and internal cut-off values, a variant classified as benign is not then subjected to further curation. The score for this variant resulted in a classification of benign for this disease.

Breakthrough Genomics
Classification: Benign. Review status: criteria provided, single submitter. Criteria: ACMG Guidelines, 2015. Collection method: not provided. Allele origin: germline. Inheritance: Autosomal recessive inheritance. Affected: yes.